The following is an entry in ClinVar:

NM_001123385.2(BCOR):c.5144C>T (p.Ala1715Val)

Gene: BCOR (BCL6 corepressor; minus strand). Cytogenetic location: Xp11.4.
Variant type: single nucleotide variant.
Coding change: c.5144C>T on transcript NM_001123385.2 (MANE Select); coding-DNA position 5144, C replaced by T.
Protein change: p.Ala1715Val; replaces alanine 1715 with valine.
Molecular consequence: missense variant.
Genome position (GRCh38, 1-based): chrX:40,052,233, G>A on the plus strand (C>T on the coding strand, the complement: BCOR is on the minus strand). VCF-style: chrX-40052233-G-A. GRCh37 (hg19) VCF-style: chrX-39911486-G-A.
Other names: c.5042C>T, p.Ala1681Val (NM_001123383.2, NM_017745.6); c.4988C>T, p.Ala1663Val (NM_001123384.2); short protein forms A1663V, A1681V, A1715V.
Identifiers: ClinVar variation 1719648 (VCV001719648.5), dbSNP rs2519225978, ClinGen allele CA412732435.

ClinVar aggregate classification (germline): Uncertain significance (1 of 4 stars; one submission).

Conditions:
Oculofaciocardiodental syndrome (MCOPS2). Identifiers: Orphanet 2712, MedGen C1846265, MONDO:0010261, OMIM 300166.

Submission:

Labcorp Genetics (formerly Invitae), Labcorp
Classification: Uncertain significance for Oculofaciocardiodental syndrome. Last evaluated: 2024-03-11. Review status: criteria provided, single submitter. Criteria: Invitae Variant Classification Sherloc (09022015). Collection method: clinical testing. Allele origin: germline.
Comment: This sequence change replaces alanine, which is neutral and non-polar, with valine, which is neutral and non-polar, at codon 1681 of the BCOR protein (p.Ala1681Val). This variant is not present in population databases (gnomAD no frequency). This variant has not been reported in the literature in individuals affected with BCOR-related conditions. ClinVar contains an entry for this variant (Variation ID: 1719648). Advanced modeling of protein sequence and biophysical properties (such as structural, functional, and spatial information, amino acid conservation, physicochemical variation, residue mobility, and thermodynamic stability) performed at Invitae indicates that this missense variant is not expected to disrupt BCOR protein function with a negative predictive value of 80%. In summary, the available evidence is currently insufficient to determine the role of this variant in disease. Therefore, it has been classified as a Variant of Uncertain Significance.